The following is an entry in ClinVar:

ClinVar aggregate classification (germline): Likely pathogenic (1 of 4 stars; one submission).

Conditions:
Autosomal recessive limb-girdle muscular dystrophy type 2J (LGMDR10). Also called: Limb-girdle muscular dystrophy, type 2J; MUSCULAR DYSTROPHY, LIMB-GIRDLE, AUTOSOMAL RECESSIVE 10. Identifiers: Orphanet 140922, MedGen C1837342, MONDO:0012127, OMIM 608807.
Dilated cardiomyopathy 1G (CMD1G). Identifiers: Orphanet 154, MedGen C1858763, MONDO:0011400, OMIM 604145.

Submission:

Labcorp Genetics (formerly Invitae), Labcorp
Classification: Likely pathogenic for Dilated cardiomyopathy 1G; Autosomal recessive limb-girdle muscular dystrophy type 2J. Last evaluated: 2025-10-13. Review status: criteria provided, single submitter. Criteria: Invitae Variant Classification Sherloc (09022015). Collection method: clinical testing. Allele origin: germline.
Comment: This sequence change creates a premature translational stop signal (p.Lys29597Hisfs*8) in the TTN gene. While this is not anticipated to result in nonsense mediated decay, it is expected to create a truncated TTN protein. This variant is not present in population databases (gnomAD no frequency). This variant has not been reported in the literature in individuals affected with TTN-related conditions. This variant is located in the A band of TTN (PMID: 25589632). Truncating variants in this region are significantly overrepresented in patients affected with dilated cardiomyopathy (PMID: 25589632). Truncating variants in this region have also been reported in individuals affected with autosomal recessive centronuclear myopathy (PMID: 23975875). In summary, the currently available evidence indicates that the variant is pathogenic, but additional data are needed to prove that conclusively. Therefore, this variant has been classified as Likely Pathogenic.

Literature cited by the submitters: PubMed 25589632; PubMed 23975875.

NM_001267550.2(TTN):c.88785_88788dup (p.Lys29597fs)

Genes: TTN (titin; minus strand), TTN-AS1 (TTN antisense RNA 1; plus strand). Cytogenetic location: 2q31.2.
Variant type: Duplication.
Coding change: c.88785_88788dup on transcript NM_001267550.2 (MANE Select); coding-DNA positions 88785 to 88788, 4 bases duplicated (CACC; older notation c.88785_88788dupCACC).
Protein change: p.Lys29597fs; shifts the reading frame from lysine 29597.
Molecular consequence: frameshift variant.
Genome position (GRCh38, 1-based): chr2:178,554,559-178,554,562, GGTG duplicated on the plus strand (CACC on the coding strand, the reverse complement: TTN is on the minus strand); duplicating any 4 consecutive bases within chr2:178,554,559-178,554,563 gives the same sequence; the c. name uses the placement nearest the transcript's 3' end. VCF-style (leftmost placement, unchanged base first): chr2-178554558-T-TGGTG. GRCh37 (hg19) VCF-style: chr2-179419285-T-TGGTG.
Other names: c.83862_83865dup, p.Lys27956fs (NM_001256850.1); c.61590_61593dup, p.Lys20532fs (NM_003319.4); c.81081_81084dup, p.Lys27029fs (NM_133378.4); c.61965_61968dup, p.Lys20657fs (NM_133432.3); c.62166_62169dup, p.Lys20724fs (NM_133437.4); short protein forms K27956fs, K29597fs, K20532fs, K20724fs, K20657fs, K27029fs.
Identifiers: ClinVar variation 4786418 (VCV004786418.1).
Genomic context (GRCh38, chr2:178,554,558, plus strand): 5'-CAATTCCATATTTGTTCACGGCTCGGACCCGGAAGATGTATTCATTTCCTTTGATAATTT[T>TGGTG]GGTGGTTGTAATGATGCACTCTTCCAAATGTTCAGACACCATAGACCACACAACGCGGCT-3'